The following is an entry in ClinVar:

ClinVar aggregate classification (germline): Uncertain significance (1 of 4 stars; one submission).

Conditions:
Charcot-Marie-Tooth disease type 2. Also called: Charcot-Marie-Tooth type 2. Identifiers: Orphanet 64746, MedGen C0270914, MONDO:0018993.

Allele frequency attached by ClinVar (database versions not stated): gnomAD exomes below 0.00001.
gnomAD v4.1: 2 of 1,612,284 alleles (0.00012%); highest among the groups gnomAD compares: Admixed American, 0.0017%; no homozygotes.

Submission:

Labcorp Genetics (formerly Invitae), Labcorp
Classification: Uncertain significance for Charcot-Marie-Tooth disease type 2. Last evaluated: 2022-04-29. Review status: criteria provided, single submitter. Criteria: Invitae Variant Classification Sherloc (09022015). Collection method: clinical testing. Allele origin: germline.
Comment: This sequence change replaces glycine, which is neutral and non-polar, with valine, which is neutral and non-polar, at codon 659 of the MED25 protein (p.Gly659Val). This variant is not present in population databases (gnomAD no frequency). This variant has not been reported in the literature in individuals affected with MED25-related conditions. Algorithms developed to predict the effect of missense changes on protein structure and function are either unavailable or do not agree on the potential impact of this missense change (SIFT: "Deleterious"; PolyPhen-2: "Probably Damaging"; Align-GVGD: "Class C0"). In summary, the available evidence is currently insufficient to determine the role of this variant in disease. Therefore, it has been classified as a Variant of Uncertain Significance.

NM_030973.4(MED25):c.1976G>T (p.Gly659Val)

Gene: MED25 (mediator complex subunit 25; plus strand). Cytogenetic location: 19q13.33.
Variant type: single nucleotide variant.
Coding change: c.1976G>T on transcript NM_030973.4 (MANE Select); coding-DNA position 1976, G replaced by T.
Protein change: p.Gly659Val; replaces glycine 659 with valine.
Molecular consequence: missense variant.
Genome position (GRCh38, 1-based): chr19:49,836,236, G>T. VCF-style: chr19-49836236-G-T. GRCh37 (hg19) VCF-style: chr19-50339493-G-T.
Other names: c.1976G>T, p.Gly659Val (NM_001378355.1); short protein forms G659V.
Identifiers: ClinVar variation 1968860 (VCV001968860.2), dbSNP rs895389511, ClinGen allele CA309521048.